The following is an entry in ClinVar:

NM_000023.4(SGCA):c.483_484delinsCT (p.Leu161_Gly162delinsPheTrp)

Gene: SGCA (sarcoglycan alpha; plus strand). Cytogenetic location: 17q21.33.
Variant type: Indel.
Coding change: c.483_484delinsCT on transcript NM_000023.4 (MANE Select); coding-DNA positions 483 to 484, GG replaced by CT.
Protein change: p.Leu161_Gly162delinsPheTrp.
Molecular consequence: missense variant. On other transcripts: non-coding transcript variant (1).
Genome position (GRCh38, 1-based): chr17:50,168,471-50,168,472, GG replaced by CT. VCF-style: chr17-50168471-GG-CT. GRCh37 (hg19) VCF-style: chr17-48245832-GG-CT.
Other names: c.483_484delinsCT (NM_000023.2); c.483_484delinsCT, p.Leu161_Gly162delinsPheTrp (NM_001135697.3).
Identifiers: ClinVar variation 499945 (VCV000499945.13), dbSNP rs1555568788, ClinGen allele CA658798902.
Genomic context (GRCh38, chr17:50,168,471, plus strand): 5'-CAGCCACGATGCGGAGGAGGTGCTGCCCTCAACACCTGCCAGCCGCTTCCTCTCAGCCTT[GG>CT]GGGGACTCTGGGAGCCCGGAGAGCTTCAGCTGCTCAACGTCACCTCTGCCTTGGACCGTG-3'

ClinVar aggregate classification (germline): Uncertain significance. Review status: criteria provided, multiple submitters, no conflicts (2 of 4 stars). 5 submissions from 5 submitters: Uncertain significance (5). Last evaluated 2025-10-02.

Conditions:
Autosomal recessive limb-girdle muscular dystrophy type 2D (LGMDR3). Also called: MUSCULAR DYSTROPHY, LIMB-GIRDLE, AUTOSOMAL RECESSIVE 3; ADHALINOPATHY, PRIMARY; DUCHENNE-LIKE AUTOSOMAL RECESSIVE MUSCULAR DYSTROPHY, TYPE 2. Identifiers: Orphanet 62, MedGen C2936332, MONDO:0011968, OMIM 608099. Disease mechanism: Affects gamma-sarcoglycan and also disrupts the integrity of the entire sarcoglycan complex..

Submissions (5):

Labcorp Genetics (formerly Invitae), Labcorp
Classification: Uncertain significance for Autosomal recessive limb-girdle muscular dystrophy type 2D. Last evaluated: 2025-10-02. Review status: criteria provided, single submitter. Criteria: Invitae Variant Classification Sherloc (09022015). Collection method: clinical testing. Allele origin: germline.
Comment: This variant, c.483_484delinsCT, is a complex sequence change that results in the deletion of two amino acid residues and insertion of a amino acid(s) in the SGCA protein (p.Leu161_Gly162delinsPheTrp). Information on the frequency of this variant in the gnomAD database is not available, as this variant may be reported differently in the database. This variant has been observed in individual(s) with clinical features of SGCA-related conditions (internal data). In at least one individual the data is consistent with being in trans (on the opposite chromosome) from a pathogenic variant. ClinVar contains an entry for this variant (Variation ID: 499945). Experimental studies and prediction algorithms are not available or were not evaluated, and the functional significance of this variant is currently unknown. In summary, the available evidence is currently insufficient to determine the role of this variant in disease. Therefore, it has been classified as a Variant of Uncertain Significance.

Revvity Omics, Revvity
Classification: Uncertain significance for Autosomal recessive limb-girdle muscular dystrophy type 2D. Last evaluated: 2025-06-09. Review status: criteria provided, single submitter. Criteria: ACMG Guidelines, 2015. Collection method: clinical testing. Allele origin: germline.

GeneDx
Classification: Uncertain significance. Last evaluated: 2025-02-14. Review status: criteria provided, single submitter. Criteria: GeneDx Variant Classification Process June 2021. Collection method: clinical testing. Allele origin: germline. Affected: yes.
Comment: Not observed at significant frequency in large population cohorts (gnomAD); In silico analysis indicates that this variant does not alter protein structure/function; Has not been previously published as pathogenic or benign to our knowledge; This variant is associated with the following publications: (PMID: 30564623)

Genome-Nilou Lab
Classification: Uncertain significance for Autosomal recessive limb-girdle muscular dystrophy type 2D. Last evaluated: 2023-02-08. Review status: criteria provided, single submitter. Criteria: ACMG Guidelines, 2015. Collection method: clinical testing. Allele origin: germline.

Eurofins Ntd Llc (ga)
Classification: Uncertain significance. Last evaluated: 2018-04-16. Review status: criteria provided, single submitter. Criteria: EGL ClinVar v180209 classification definitions. Collection method: clinical testing. Allele origin: germline. Observed: 3 variant alleles, 3 heterozygotes.